The following is an entry in ClinVar:

ClinVar aggregate classification (germline): Likely pathogenic (1 of 4 stars; one submission).

Conditions:
Loeys-Dietz syndrome 4 (LDS4). Also called: ANEURYSM, AORTIC AND CEREBRAL, WITH ARTERIAL TORTUOSITY AND SKELETAL MANIFESTATIONS; TGFB2-Related Loeys-Dietz Syndrome. Identifiers: MedGen C3553762, MONDO:0013897, OMIM 614816.

Submission:

Labcorp Genetics (formerly Invitae), Labcorp
Classification: Likely pathogenic for Loeys-Dietz syndrome 4. Last evaluated: 2021-12-08. Review status: criteria provided, single submitter. Criteria: Invitae Variant Classification Sherloc (09022015). Collection method: clinical testing. Allele origin: germline.
Comment: In summary, the currently available evidence indicates that the variant is pathogenic, but additional data are needed to prove that conclusively. Therefore, this variant has been classified as Likely Pathogenic. A similar copy number variant has been observed in individuals with clinical features of TGFB2-related conditions (Invitae). This variant is a gross deletion of the genomic region encompassing exon(s) 7 of the TGFB2 gene, which includes the termination codon. This deletion extends beyond the assayed region for this gene and therefore may encompass additional genes. While this deletion is not anticipated to lead to nonsense mediated decay, it is expected to alter mRNA translation or result in a truncated protein product.

NC_000001.11:g.(?_218441194)_(218444629_?)del

Gene: TGFB2 (transforming growth factor beta 2; plus strand). Cytogenetic location: 1q41.
Variant type: Deletion.
Identifiers: ClinVar variation 832476 (VCV000832476.45).